The following is an entry in ClinVar:

NM_024105.4(ALG12):c.1030G>A (p.Gly344Arg)

Gene: ALG12 (ALG12 alpha-1,6-mannosyltransferase; minus strand). Cytogenetic location: 22q13.33.
Variant type: single nucleotide variant.
Coding change: c.1030G>A on transcript NM_024105.4 (MANE Select); coding-DNA position 1030, G replaced by A.
Protein change: p.Gly344Arg; replaces glycine 344 with arginine.
Molecular consequence: missense variant.
Genome position (GRCh38, 1-based): chr22:49,904,469, C>T on the plus strand (G>A on the coding strand, the complement: ALG12 is on the minus strand). VCF-style: chr22-49904469-C-T. GRCh37 (hg19) VCF-style: chr22-50298117-C-T.
Other names: short protein forms G344R.
Identifiers: ClinVar variation 1423888 (VCV001423888.4), dbSNP rs2147580583, ClinGen allele CA412072444.
Genomic context (GRCh38, chr22:49,904,469, plus strand): 5'-ACAGGGCCGTGGCTGAGTAGGCGGCATTCACCACGAGGTGTCCGATCACAAGCAGAGACC[C>T]CGCTTTGTACAGCCAAGACTTTTTATAGTTATTCAGCCTGAAAAAAGAATGGTTACACAT-3'
Protein context (NP_077010.1, residues 334-354): NYKKSWLYKA[Gly344Arg]SLLVIGHLVV

ClinVar aggregate classification (germline): Uncertain significance (1 of 4 stars; one submission).

Conditions:
ALG12-congenital disorder of glycosylation (CDG1G). Also called: CDG Ig; Congenital disorder of glycosylation, type Ig; ALG12-CDG. Identifiers: Orphanet 79324, MedGen C2931001, MONDO:0011783, OMIM 607143.

Submission:

Labcorp Genetics (formerly Invitae), Labcorp
Classification: Uncertain significance for ALG12-congenital disorder of glycosylation. Last evaluated: 2022-11-03. Review status: criteria provided, single submitter. Criteria: Invitae Variant Classification Sherloc (09022015). Collection method: clinical testing. Allele origin: germline.
Comment: In summary, the available evidence is currently insufficient to determine the role of this variant in disease. Therefore, it has been classified as a Variant of Uncertain Significance. Advanced modeling of protein sequence and biophysical properties (such as structural, functional, and spatial information, amino acid conservation, physicochemical variation, residue mobility, and thermodynamic stability) performed at Invitae indicates that this missense variant is not expected to disrupt ALG12 protein function. ClinVar contains an entry for this variant (Variation ID: 1423888). This variant has not been reported in the literature in individuals affected with ALG12-related conditions. This variant is not present in population databases (gnomAD no frequency). This sequence change replaces glycine, which is neutral and non-polar, with arginine, which is basic and polar, at codon 344 of the ALG12 protein (p.Gly344Arg).